The following is an entry in ClinVar:

NM_000744.7(CHRNA4):c.1815G>A (p.Met605Ile)

Gene: CHRNA4 (cholinergic receptor nicotinic alpha 4 subunit; minus strand). Cytogenetic location: 20q13.33.
Variant type: single nucleotide variant.
Coding change: c.1815G>A on transcript NM_000744.7 (MANE Select); coding-DNA position 1815, G replaced by A.
Protein change: p.Met605Ile; replaces methionine 605 with isoleucine.
Molecular consequence: missense variant. On other transcripts: non-coding transcript variant (1).
Genome position (GRCh38, 1-based): chr20:63,346,807, C>T on the plus strand (G>A on the coding strand, the complement: CHRNA4 is on the minus strand). VCF-style: chr20-63346807-C-T. GRCh37 (hg19) VCF-style: chr20-61978159-C-T.
Other names: c.1815G>A (NM_000744.5); c.1287G>A, p.Met429Ile (NM_001256573.2); short protein forms M429I, M605I.
Identifiers: ClinVar variation 950976 (VCV000950976.45), dbSNP rs774394637, ClinGen allele CA9957489.
Genomic context (GRCh38, chr20:63,346,807, plus strand): 5'-GCCAGCCAGCCAGGGCGGCAGGAAGAGGCCCACCGTCCCCAGCAGGCAGACGATGATGAA[C>T]ATCCAGAGGAAGATGCGGTCGATGACCATGGCCACGTACTTCCAGTCCTCCTTCACCTGC-3'
Protein context (NP_000735.1, residues 595-615): AMVIDRIFLW[Met605Ile]FIIVCLLGTV

ClinVar aggregate classification (germline): Likely benign. Review status: criteria provided, multiple submitters, no conflicts (2 of 4 stars). 4 submissions from 4 submitters: Likely benign (4). Last evaluated 2025-06-09.

Conditions:
Familial sleep-related hypermotor epilepsy. Also called: Autosomal Dominant Sleep-Related Hypermotor (Hyperkinetic) Epilepsy. Identifiers: Orphanet 98784, MedGen C3696898, MONDO:0000030.
Inborn genetic diseases. Identifiers: MedGen C0950123, MeSH D030342.

Allele frequency attached by ClinVar (database versions not stated): TOPMed 0.00001; gnomAD exomes 0.00003 and 0.00005; gnomAD 0.00005 and 0.00006; ExAC 0.00006.
gnomAD v4.1: 45 of 1,612,612 alleles (0.0028%); highest among the groups gnomAD compares: Non-Finnish European, 0.0029%; no homozygotes.

Submissions (4):

Labcorp Genetics (formerly Invitae), Labcorp
Classification: Likely benign. Last evaluated: 2025-06-09. Review status: criteria provided, single submitter. Criteria: Invitae Variant Classification Sherloc (09022015). Collection method: clinical testing. Allele origin: germline.

Ambry Genetics
Classification: Likely benign for Inborn genetic diseases. Last evaluated: 2024-11-15. Review status: criteria provided, single submitter. Criteria: Ambry Variant Classification Scheme 2023. Collection method: clinical testing. Allele origin: germline.

Blueprint Genetics
Classification: Likely benign. Last evaluated: 2024-03-11. Review status: criteria provided, single submitter. Criteria: ACMG Guidelines, 2015. Collection method: clinical testing. Allele origin: germline.

CeGaT Center for Human Genetics Tuebingen
Classification: Likely benign. Last evaluated: 2023-04-01. Review status: criteria provided, single submitter. Criteria: CeGaT Center For Human Genetics Tuebingen Variant Classification Criteria Version 2. Collection method: clinical testing. Allele origin: germline. Affected: yes. Observed: 3 variant alleles.
Comment: CHRNA4: BP4